The following is an entry in ClinVar:

NM_002439.5(MSH3):c.2464T>G (p.Cys822Gly)

Gene: MSH3 (mutS homolog 3; plus strand). Cytogenetic location: 5q14.1.
Variant type: single nucleotide variant.
Coding change: c.2464T>G on transcript NM_002439.5 (MANE Select); coding-DNA position 2464, T replaced by G.
Protein change: p.Cys822Gly; replaces cysteine 822 with glycine.
Molecular consequence: missense variant.
Genome position (GRCh38, 1-based): chr5:80,787,593, T>G. VCF-style: chr5-80787593-T-G. GRCh37 (hg19) VCF-style: chr5-80083412-T-G.
Other names: short protein forms C822G.
Identifiers: ClinVar variation 1791674 (VCV001791674.2), dbSNP rs1744531800, ClinGen allele CA360283078.

ClinVar aggregate classification (germline): Uncertain significance (1 of 4 stars; one submission).

Conditions:
Hereditary cancer-predisposing syndrome. Also called: Hereditary Cancer Syndrome; Hereditary neoplastic syndrome; Tumor predisposition; Neoplastic Syndromes, Hereditary. Identifiers: Orphanet 140162, MedGen C0027672, MeSH D009386, MONDO:0015356.

Submission:

Ambry Genetics
Classification: Uncertain significance for Hereditary cancer-predisposing syndrome. Last evaluated: 2020-03-05. Review status: criteria provided, single submitter. Criteria: Ambry Variant Classification Scheme 2023. Collection method: clinical testing. Allele origin: germline.
Comment: The p.C822G variant (also known as c.2464T>G), located in coding exon 18 of the MSH3 gene, results from a T to G substitution at nucleotide position 2464. The cysteine at codon 822 is replaced by glycine, an amino acid with highly dissimilar properties. This amino acid position is not well conserved in available vertebrate species. In addition, the in silico prediction for this alteration is inconclusive. Since supporting evidence is limited at this time, the clinical significance of this alteration remains unclear.